The following is an entry in ClinVar:

NM_018406.7(MUC4):c.12046C>T (p.Pro4016Ser)

Genes: MUC4 (mucin 4, cell surface associated), LOC126806930 (BRD4-independent group 4 enhancer GRCh37_chr3:195505212-195506411). Cytogenetic location: 3q29.
Variant type: single nucleotide variant.
Coding change: c.12046C>T on transcript NM_018406.7 (MANE Select); coding-DNA position 12046, C replaced by T.
Protein change: p.Pro4016Ser; replaces proline 4016 with serine.
Molecular consequence: missense variant. On other transcripts: intron variant (2).
Genome position (GRCh38, 1-based): chr3:195,779,534, G>A on the plus strand (C>T on the coding strand, the complement: MUC4 is on the minus strand). VCF-style: chr3-195779534-G-A. GRCh37 (hg19) VCF-style: chr3-195506405-G-A.
Other names: c.83-5229C>T (NM_138297.5); c.83-1079C>T (NM_004532.6); short protein forms P4016S.
Identifiers: ClinVar variation 3898116 (VCV003898116.7).

ClinVar aggregate classification (germline): Likely benign (1 of 4 stars; one submission).

gnomAD v4.1: 126 of 1,214,752 alleles (0.01%); highest among the groups gnomAD compares: African/African-American, 0.094%; 34 homozygotes.

Submission:

CeGaT Center for Human Genetics Tuebingen
Classification: Likely benign. Last evaluated: 2025-04-01. Review status: criteria provided, single submitter. Criteria: CeGaT Center For Human Genetics Tuebingen Variant Classification Criteria Version 2. Collection method: clinical testing. Allele origin: germline. Affected: yes. Observed: 1 variant allele.
Comment: MUC4: BS2